The following is an entry in ClinVar:

NM_005245.4(FAT1):c.8809A>G (p.Ile2937Val)

Genes: FAT1 (FAT atypical cadherin 1; minus strand), LOC126807255 (BRD4-independent group 4 enhancer GRCh37_chr4:187538202-187539401; plus strand). Cytogenetic location: 4q35.2.
Variant type: single nucleotide variant.
Coding change: c.8809A>G on transcript NM_005245.4 (MANE Select); coding-DNA position 8809, A replaced by G.
Protein change: p.Ile2937Val; replaces isoleucine 2937 with valine.
Molecular consequence: missense variant.
Genome position (GRCh38, 1-based): chr4:186,617,777, T>C on the plus strand (A>G on the coding strand, the complement: FAT1 is on the minus strand). VCF-style: chr4-186617777-T-C. GRCh37 (hg19) VCF-style: chr4-187538931-T-C.
Other names: short protein forms I2937V.
Identifiers: ClinVar variation 2632838 (VCV002632838.1), dbSNP rs1218440306, ClinGen allele CA358959965.

ClinVar aggregate classification (germline): Uncertain significance (1 of 4 stars; one submission).

Conditions:
FAT1-related disorder. Also called: FAT1-related condition.

Allele frequency attached by ClinVar (database versions not stated): gnomAD exomes below 0.00001.
gnomAD v4.1: 6 of 1,613,606 alleles (0.00037%); highest among the groups gnomAD compares: Non-Finnish European, 0.00051%; no homozygotes.

Submission:

PreventionGenetics, part of Exact Sciences
Classification: Uncertain significance for FAT1-related condition. Last evaluated: 2023-05-05. Review status: criteria provided, single submitter. Criteria: ACMG Guidelines, 2015. Collection method: clinical testing. Allele origin: germline.
Comment: The FAT1 c.8809A>G variant is predicted to result in the amino acid substitution p.Ile2937Val. To our knowledge, this variant has not been reported in the literature. This variant is reported in 0.00089% of alleles in individuals of European (Non-Finnish) descent in gnomAD. At this time, the clinical significance of this variant is uncertain due to the absence of conclusive functional and genetic evidence.